The following is an entry in ClinVar:

ClinVar aggregate classification (germline): Conflicting classifications of pathogenicity. Review status: criteria provided, conflicting classifications (1 of 4 stars). 6 submissions from 6 submitters: Uncertain significance (1); Benign (1); Likely benign (3). 1 of the submissions does not count toward it. Last evaluated 2024-08-23.

Conditions:
PKD1-related disorder. Also called: PKD1-related condition.
Autosomal dominant polycystic kidney disease. Identifiers: Orphanet 730, MedGen C0085413, MONDO:0004691.
Polycystic kidney disease, adult type (PKD1). Also called: Polycystic Kidney, Autosomal Dominant; POLYCYSTIC KIDNEY DISEASE 1 WITH OR WITHOUT POLYCYSTIC LIVER DISEASE; POLYCYSTIC KIDNEY DISEASE, ADULT, TYPE I; Polycystic Kidney Disease 1, Autosomal Dominant; Polycystic kidney disease 1; Polycystic kidney disease 1, severe. Identifiers: MedGen C3149841, MONDO:0008263, OMIM 173900.

Allele frequency attached by ClinVar (database versions not stated): 1000 Genomes Project 30x 0.00016; TOPMed 0.00031; gnomAD 0.00044 and 0.00046; gnomAD exomes 0.00062.
gnomAD v4.1: 575 of 981,904 alleles (0.059%); highest among the groups gnomAD compares: Non-Finnish European, 0.064%; 1 homozygote.

Submissions (6):

Blueprint Genetics
Classification: Likely benign. Last evaluated: 2024-08-23. Review status: criteria provided, single submitter. Criteria: ACMG Guidelines, 2015. Collection method: clinical testing. Allele origin: germline.

Department of Pathology and Laboratory Medicine, Sinai Health System
Classification: Likely benign for Polycystic kidney disease, adult type. Last evaluated: 2024-02-01. Review status: criteria provided, single submitter. Criteria: ACMG Guidelines, 2015. Collection method: clinical testing. Allele origin: germline. Affected: yes.

GeneDx
Classification: Likely benign. Last evaluated: 2020-02-20. Review status: criteria provided, single submitter. Criteria: GeneDx Variant Classification Process June 2021. Collection method: clinical testing. Allele origin: germline. Affected: yes.

Athena Diagnostics
Classification: Benign. Last evaluated: 2019-10-18. Review status: criteria provided, single submitter. Criteria: Athena Diagnostics Criteria. Collection method: clinical testing. Allele origin: unknown.

Molecular Genetics of Inherited Kidney Disorders Laboratory, Garvan Institute of Medical Research
Classification: Uncertain significance for Autosomal dominant polycystic kidney disease. Last evaluated: 2019-01-01. Review status: criteria provided, single submitter. Criteria: ACMG Guidelines, 2015. Collection method: research. Allele origin: germline. Affected: yes.

PreventionGenetics, part of Exact Sciences
Classification: Uncertain significance for PKD1-related condition. Last evaluated: 2023-11-01. Review status: no assertion criteria provided. Collection method: clinical testing. Allele origin: germline. Not counted in ClinVar's aggregate classification.
Comment: The PKD1 c.74G>T variant is predicted to result in the amino acid substitution p.Gly25Val. To our knowledge, this variant has not been reported in the literature. This variant is reported in 0.050% of alleles in individuals of African descent in gnomAD. Although we suspect that this variant may be benign, at this time, the clinical significance of this variant is uncertain due to the absence of conclusive functional and genetic evidence.

NM_001009944.3(PKD1):c.74G>T (p.Gly25Val)

Gene: PKD1 (polycystin 1, transient receptor potential channel interacting; minus strand). Cytogenetic location: 16p13.3.
Variant type: single nucleotide variant.
Coding change: c.74G>T on transcript NM_001009944.3 (MANE Select); coding-DNA position 74, G replaced by T.
Protein change: p.Gly25Val; replaces glycine 25 with valine.
Molecular consequence: missense variant.
Genome position (GRCh38, 1-based): chr16:2,135,616, C>A on the plus strand (G>T on the coding strand, the complement: PKD1 is on the minus strand). VCF-style: chr16-2135616-C-A. GRCh37 (hg19) VCF-style: chr16-2185617-C-A.
Other names: c.74G>T, p.Gly25Val (NM_000296.4); short protein forms G25V.
Identifiers: ClinVar variation 448005 (VCV000448005.10), dbSNP rs972049140, ClinGen allele CA276756583.